The following is an entry in ClinVar:

NM_138694.4(PKHD1):c.2306A>G (p.Glu769Gly)

Gene: PKHD1 (PKHD1 ciliary IPT domain containing fibrocystin/polyductin; minus strand). Cytogenetic location: 6p12.2.
Variant type: single nucleotide variant.
Coding change: c.2306A>G on transcript NM_138694.4 (MANE Select); coding-DNA position 2306, A replaced by G.
Protein change: p.Glu769Gly; replaces glutamic acid 769 with glycine.
Molecular consequence: missense variant.
Genome position (GRCh38, 1-based): chr6:52,048,593, T>C on the plus strand (A>G on the coding strand, the complement: PKHD1 is on the minus strand). VCF-style: chr6-52048593-T-C. GRCh37 (hg19) VCF-style: chr6-51913391-T-C.
Other names: c.2306A>G (NM_138694.3); c.2306A>G, p.Glu769Gly (NM_170724.3); short protein forms E769G.
Identifiers: ClinVar variation 2413749 (VCV002413749.5), dbSNP rs754410222, ClinGen allele CA3853254.

ClinVar aggregate classification (germline): Uncertain significance. Review status: criteria provided, multiple submitters, no conflicts (2 of 4 stars). 2 submissions from 2 submitters: Uncertain significance (2). Last evaluated 2025-01-29.

Conditions:
Inborn genetic diseases. Identifiers: MedGen C0950123, MeSH D030342.
Autosomal recessive polycystic kidney disease (ARPKD). Also called: AR polycystic kidney disease. Identifiers: Orphanet 731, Orphanet 8378, MedGen C0085548, MeSH D017044, MONDO:0009889.

Allele frequency attached by ClinVar (database versions not stated): ExAC 0.00001; gnomAD 0.00001; TOPMed 0.00001.
gnomAD v4.1: 1 of 1,613,938 alleles (0.000062%); highest among the groups gnomAD compares: Non-Finnish European, 0.000085%; no homozygotes.

Submissions (2):

Ambry Genetics
Classification: Uncertain significance for Inborn genetic diseases. Last evaluated: 2025-01-29. Review status: criteria provided, single submitter. Criteria: Ambry Variant Classification Scheme 2023. Collection method: clinical testing. Allele origin: germline.

Labcorp Genetics (formerly Invitae), Labcorp
Classification: Uncertain significance for Autosomal recessive polycystic kidney disease. Last evaluated: 2022-08-04. Review status: criteria provided, single submitter. Criteria: Invitae Variant Classification Sherloc (09022015). Collection method: clinical testing. Allele origin: germline.
Comment: This sequence change replaces glutamic acid, which is acidic and polar, with glycine, which is neutral and non-polar, at codon 769 of the PKHD1 protein (p.Glu769Gly). This variant is present in population databases (rs754410222, gnomAD 0.0009%). This variant has not been reported in the literature in individuals affected with PKHD1-related conditions. Advanced modeling of protein sequence and biophysical properties (such as structural, functional, and spatial information, amino acid conservation, physicochemical variation, residue mobility, and thermodynamic stability) performed at Invitae indicates that this missense variant is not expected to disrupt PKHD1 protein function. Algorithms developed to predict the effect of sequence changes on RNA splicing suggest that this variant may disrupt the consensus splice site. In summary, the available evidence is currently insufficient to determine the role of this variant in disease. Therefore, it has been classified as a Variant of Uncertain Significance.